The following is an entry in ClinVar:

ClinVar aggregate classification (germline): Uncertain significance (1 of 4 stars; one submission).

Conditions:
Hereditary cancer-predisposing syndrome. Also called: Tumor predisposition; Hereditary neoplastic syndrome; Hereditary Cancer Syndrome; Neoplastic Syndromes, Hereditary. Identifiers: Orphanet 140162, MedGen C0027672, MeSH D009386, MONDO:0015356.

Submission:

Ambry Genetics
Classification: Uncertain significance for Hereditary cancer-predisposing syndrome. Last evaluated: 2023-12-11. Review status: criteria provided, single submitter. Criteria: Ambry Variant Classification Scheme 2023. Collection method: clinical testing. Allele origin: germline.
Comment: The c.1060-16_1069dup26 variant results from a duplication of 26 nucleotides between positions 1060-16 and 1069 and involves the canonical splice acceptor site before coding exon 4 of the AXIN2 gene. In silico splice site analysis predicts that this alteration will result in the creation or strengthening of a novel splice acceptor site; however, the exact impact of this duplication on AXIN2 splicing and function is currently unknown. The canonical splice acceptor site is highly conserved in available vertebrate species. Since supporting evidence is limited at this time, the clinical significance of this alteration remains unclear.

NM_004655.4(AXIN2):c.1060-16_1069dup

Gene: AXIN2 (axin 2; minus strand). Cytogenetic location: 17q24.1.
Variant type: Duplication.
Coding change: c.1060-16_1069dup on transcript NM_004655.4 (MANE Select); 16 bases into the intron before coding-DNA position 1060 through coding-DNA position 1069, 26 bases duplicated (TTTCCACGTCCTGTAGAGAACCCACC).
Molecular consequence: splice acceptor variant.
Genome position (GRCh38, 1-based): chr17:65,538,334-65,538,359, GGTGGGTTCTCTACAGGACGTGGAAA duplicated on the plus strand (TTTCCACGTCCTGTAGAGAACCCACC on the coding strand, the reverse complement: AXIN2 is on the minus strand); duplicating any 26 consecutive bases within chr17:65,538,334-65,538,361 gives the same sequence; the c. name uses the placement nearest the transcript's 3' end. VCF-style (leftmost placement, unchanged base first): chr17-65538333-C-CGGTGGGTTCTCTACAGGACGTGGAAA. GRCh37 (hg19) VCF-style: chr17-63534451-C-CGGTGGGTTCTCTACAGGACGTGGAAA.
Other names: c.1060-16_1069dup (NM_001363813.1).
Identifiers: ClinVar variation 3224343 (VCV003224343.1), dbSNP rs2544183276, ClinGen allele CA2825002589.